The following is an entry in ClinVar:

NM_006206.6(PDGFRA):c.1057A>G (p.Asn353Asp)

Gene: PDGFRA (platelet derived growth factor receptor alpha; plus strand). Cytogenetic location: 4q12.
Variant type: single nucleotide variant.
Coding change: c.1057A>G on transcript NM_006206.6 (MANE Select); coding-DNA position 1057, A replaced by G.
Protein change: p.Asn353Asp; replaces asparagine 353 with aspartic acid.
Molecular consequence: missense variant.
Genome position (GRCh38, 1-based): chr4:54,267,677, A>G. VCF-style: chr4-54267677-A-G. GRCh37 (hg19) VCF-style: chr4-55133844-A-G.
Other names: c.1057A>G, p.Asn353Asp (NM_001347827.2, NM_001347829.2); c.1132A>G, p.Asn378Asp (NM_001347828.2); c.1096A>G, p.Asn366Asp (NM_001347830.2); short protein forms N353D, N366D, N378D.
Identifiers: ClinVar variation 1778889 (VCV001778889.2), dbSNP rs139103850, ClinGen allele CA356891703.

ClinVar aggregate classification (germline): Uncertain significance (1 of 4 stars; one submission).

Conditions:
Hereditary cancer-predisposing syndrome. Also called: Neoplastic Syndromes, Hereditary; Tumor predisposition; Hereditary Cancer Syndrome; Hereditary neoplastic syndrome. Identifiers: Orphanet 140162, MedGen C0027672, MeSH D009386, MONDO:0015356.

Submission:

Ambry Genetics
Classification: Uncertain significance for Hereditary cancer-predisposing syndrome. Last evaluated: 2022-07-16. Review status: criteria provided, single submitter. Criteria: Ambry Variant Classification Scheme 2023. Collection method: clinical testing. Allele origin: germline.
Comment: The p.N353D variant (also known as c.1057A>G), located in coding exon 6 of the PDGFRA gene, results from an A to G substitution at nucleotide position 1057. The asparagine at codon 353 is replaced by aspartic acid, an amino acid with highly similar properties. This amino acid position is conserved. In addition, this alteration is predicted to be tolerated by in silico analysis. Since supporting evidence is limited at this time, the clinical significance of this alteration remains unclear.